The following is an entry in ClinVar:

ClinVar aggregate classification (germline): Uncertain significance. Review status: criteria provided, multiple submitters, no conflicts (2 of 4 stars). 5 submissions from 5 submitters: Uncertain significance (5). Last evaluated 2026-05-05.

Conditions:
Telangiectasia, hereditary hemorrhagic, type 5 (HHT5). Identifiers: Orphanet 774, MedGen C3809710, MONDO:0014217, OMIM 615506.
Cardiovascular phenotype. Identifiers: MedGen CN230736.

Allele frequency attached by ClinVar (database versions not stated): ExAC 0.00005; TOPMed 0.00005; gnomAD 0.00006; ESP Exome Variant Server 0.00008; 1000 Genomes Project 0.00020; 1000 Genomes Project 30x 0.00031.

Submissions (5):

Clinical Genomics Laboratory, Washington University in St. Louis
Classification: Uncertain significance for Telangiectasia, hereditary hemorrhagic, type 5. Last evaluated: 2026-05-05. Review status: criteria provided, single submitter. Criteria: ACMG Guidelines, 2015. Collection method: clinical testing. Allele origin: germline.
Comment: A GDF2 c.950G>A (p.Arg317Gln) variant was identified at a near heterozygous allelic fraction of 46.5%, a frequency that may be consistent with germline origin. This variant has been reported in the literature as a variant of uncertain significance in a patient with features of hereditary hemorrhagic telangiectasia (Hernandez F et al., PMID: 27081547). It has also been reported in the ClinVar database as a germline variant of uncertain significance by four submitters (Variation ID: 1767217). It is observed on 84/1,613,798 alleles in the general population (gnomAD v4.1.1). Due to limited information, and based on ACMG/AMP guidelines for variant interpretation (Richards S et al., PMID: 25741868), the clinical significance of this variant is uncertain at this time.

Mayo Clinic Laboratories, Mayo Clinic
Classification: Uncertain significance. Last evaluated: 2025-02-19. Review status: criteria provided, single submitter. Criteria: ACMG Guidelines, 2015. Collection method: clinical testing. Allele origin: germline. Observed: 1 variant allele.
Comment: BP4_moderate

Labcorp Genetics (formerly Invitae), Labcorp
Classification: Uncertain significance for Telangiectasia, hereditary hemorrhagic, type 5. Last evaluated: 2024-11-03. Review status: criteria provided, single submitter. Criteria: Invitae Variant Classification Sherloc (09022015). Collection method: clinical testing. Allele origin: germline.
Comment: This sequence change replaces arginine, which is basic and polar, with glutamine, which is neutral and polar, at codon 317 of the GDF2 protein (p.Arg317Gln). This variant is present in population databases (rs201507315, gnomAD 0.01%). This missense change has been observed in individual(s) with clinical features of hereditary hemorrhagic telangiectasia (PMID: 27081547; internal data). ClinVar contains an entry for this variant (Variation ID: 1767217). Invitae Evidence Modeling of protein sequence and biophysical properties (such as structural, functional, and spatial information, amino acid conservation, physicochemical variation, residue mobility, and thermodynamic stability) indicates that this missense variant is not expected to disrupt GDF2 protein function with a negative predictive value of 80%. In summary, the available evidence is currently insufficient to determine the role of this variant in disease. Therefore, it has been classified as a Variant of Uncertain Significance.

GeneDx
Classification: Uncertain significance. Last evaluated: 2023-12-05. Review status: criteria provided, single submitter. Criteria: GeneDx Variant Classification Process June 2021. Collection method: clinical testing. Allele origin: germline. Affected: yes.
Comment: Previously reported as a variant of uncertain significance in an individual with suspected HHT (PMID: 27081547); In silico analysis supports that this missense variant does not alter protein structure/function; This variant is associated with the following publications: (PMID: 34611981, 27081547)

Ambry Genetics
Classification: Uncertain significance for Cardiovascular phenotype. Last evaluated: 2015-12-24. Review status: criteria provided, single submitter. Criteria: Ambry Variant Classification Scheme 2023. Collection method: clinical testing. Allele origin: germline.
Comment: The p.R317Q variant (also known as c.950G>A), located in coding exon 2 of the GDF2 gene, results from a G to A substitution at nucleotide position 950. The arginine at codon 317 is replaced by glutamine, an amino acid with highly similar properties. This amino acid position is not well conserved in available vertebrate species. Since supporting evidence is limited at this time, the clinical significance of this variant remains unclear.

Literature cited by the submitters: PubMed 23335997 (cited by Mayo Clinic Laboratories, Mayo Clinic); PubMed 27081547 (cited by Mayo Clinic Laboratories, Mayo Clinic and Labcorp Genetics (formerly Invitae), Labcorp).

NM_016204.4(GDF2):c.950G>A (p.Arg317Gln)

Gene: GDF2 (growth differentiation factor 2; plus strand). Cytogenetic location: 10q11.22.
Variant type: single nucleotide variant.
Coding change: c.950G>A on transcript NM_016204.4 (MANE Select); coding-DNA position 950, G replaced by A.
Protein change: p.Arg317Gln; replaces arginine 317 with glutamine.
Molecular consequence: missense variant.
Genome position (GRCh38, 1-based): chr10:47,325,444, G>A. VCF-style: chr10-47325444-G-A. GRCh37 (hg19) VCF-style: chr10-48413918-C-T.
Other names: p.Arg317Gln; c.950G>A (NM_016204.2); short protein forms R317Q.
Identifiers: ClinVar variation 1767217 (VCV001767217.11), dbSNP rs201507315, ClinGen allele CA5487981.